The following is an entry in ClinVar:

ClinVar aggregate classification (germline): Pathogenic (1 of 4 stars; one submission).

Conditions:
Nephronophthisis. Also called: Juvenile Nephronophthisis. Identifiers: Orphanet 655, MedGen C0687120, MONDO:0019005, HP:0000090.

Submission:

Labcorp Genetics (formerly Invitae), Labcorp
Classification: Pathogenic for Nephronophthisis. Last evaluated: 2024-05-31. Review status: criteria provided, single submitter. Criteria: Invitae Variant Classification Sherloc (09022015). Collection method: clinical testing. Allele origin: germline.
Comment: This sequence change creates a premature translational stop signal (p.Pro659Glnfs*14) in the NPHP3 gene. It is expected to result in an absent or disrupted protein product. Loss-of-function variants in NPHP3 are known to be pathogenic (PMID: 18371931, 23559409). This variant is not present in population databases (gnomAD no frequency). This variant has not been reported in the literature in individuals affected with NPHP3-related conditions. ClinVar contains an entry for this variant (Variation ID: 836028). For these reasons, this variant has been classified as Pathogenic.

Literature cited by the submitters: PubMed 18371931; PubMed 23559409.

NM_153240.5(NPHP3):c.1976del (p.Pro659fs)

Genes: NPHP3 (nephrocystin 3; minus strand), NPHP3-ACAD11 (NPHP3-ACAD11 readthrough (NMD candidate); minus strand). Cytogenetic location: 3q22.1.
Variant type: Deletion.
Coding change: c.1976del on transcript NM_153240.5 (MANE Select); coding-DNA position 1976, one base deleted (C; older notation c.1976delC).
Protein change: p.Pro659fs; shifts the reading frame from proline 659.
Molecular consequence: frameshift variant.
Genome position (GRCh38, 1-based): chr3:132,699,362, G deleted on the plus strand (C on the coding strand, the reverse complement: NPHP3 is on the minus strand); the first of 2 consecutive G bases (chr3:132,699,362-132,699,363); deleting either gives the same sequence. VCF-style (leftmost placement, unchanged base first): chr3-132699361-TG-T. GRCh37 (hg19) VCF-style: chr3-132418205-TG-T.
Other names: short protein forms P659fs.
Identifiers: ClinVar variation 836028 (VCV000836028.7), dbSNP rs1939543636, ClinGen allele CA916082607.